The following is an entry in ClinVar:

ClinVar aggregate classification (germline): Conflicting classifications of pathogenicity. Review status: criteria provided, conflicting classifications (1 of 4 stars). 5 submissions from 5 submitters: Likely pathogenic (1); Uncertain significance (4). Last evaluated 2025-04-04.

Conditions:
Hypertrophic cardiomyopathy. Also called: HYPERTROPHIC MYOCARDIOPATHY. Identifiers: Orphanet 217569, MedGen C0007194, MeSH D002312, MONDO:0005045, HP:0001639.
JPH2-related disorder. Also called: JPH2-related condition.
Cardiovascular phenotype. Identifiers: MedGen CN230736.

Allele frequency attached by ClinVar (database versions not stated): TOPMed 0.00001.
gnomAD v4.1: 7 of 1,612,324 alleles (0.00043%); highest among the groups gnomAD compares: Non-Finnish European, 0.00059%; no homozygotes.

Submissions (5):

PreventionGenetics, part of Exact Sciences
Classification: Uncertain significance for JPH2-related condition. Last evaluated: 2025-04-04. Review status: criteria provided, single submitter. Criteria: ACMG Guidelines, 2015. Collection method: clinical testing. Allele origin: germline.
Comment: The JPH2 c.1213G>T variant is predicted to result in the amino acid substitution p.Ala405Ser. This variant was reported in the heterozygous state in an individual with hypertrophic cardiomyopathy (Quick et al. 2017. PubMed ID: 28393127). In vivo experimental study suggests that this variant leads to hypertrophic cardiomyopathy phenotypes including increased subvalvular septal thickness. This variant is reported in 0.0039% of alleles in individuals of European (Non-Finnish) descent in gnomAD. At this time, the clinical significance of this variant is uncertain due to the absence of conclusive functional and genetic evidence.

Ambry Genetics
Classification: Uncertain significance for Cardiovascular phenotype. Last evaluated: 2025-03-18. Review status: criteria provided, single submitter. Criteria: Ambry Variant Classification Scheme 2023. Collection method: clinical testing. Allele origin: germline.
Comment: The p.A405S variant (also known as c.1213G>T), located in coding exon 3 of the JPH2 gene, results from a G to T substitution at nucleotide position 1213. The alanine at codon 405 is replaced by serine, an amino acid with similar properties. This variant was reported in individual(s) with features consistent with hypertrophic cardiomyopathy (HCM) (Beavers DL et al. J. Am. Coll. Cardiol., 2013 Nov;62:2010-9; Quick AP et al. JACC Basic Transl Sci, 2017 Feb;2:56-67; Ambry internal data). An animal model expressing the equivalent of this variant exhibited some features consistent with HCM (Quick AP et al. JACC Basic Transl Sci, 2017 Feb;2:56-67). This amino acid position is highly conserved in available vertebrate species. In addition, this alteration is predicted to be tolerated by in silico analysis. Based on available evidence to date, the clinical significance of this alteration remains unclear.

Labcorp Genetics (formerly Invitae), Labcorp
Classification: Uncertain significance for Hypertrophic cardiomyopathy. Last evaluated: 2024-10-31. Review status: criteria provided, single submitter. Criteria: Invitae Variant Classification Sherloc (09022015). Collection method: clinical testing. Allele origin: germline.
Comment: This sequence change replaces alanine, which is neutral and non-polar, with serine, which is neutral and polar, at codon 405 of the JPH2 protein (p.Ala405Ser). The frequency data for this variant in the population databases is considered unreliable, as metrics indicate poor data quality at this position in the gnomAD database. This missense change has been observed in individual(s) with hypertrophic cardiomyopathy (PMID: 23973696, 31227780; internal data). ClinVar contains an entry for this variant (Variation ID: 372724). An algorithm developed to predict the effect of missense changes on protein structure and function (PolyPhen-2) suggests that this variant is likely to be disruptive. Experimental studies have shown that this missense change affects JPH2 function (PMID: 28393127). In summary, the available evidence is currently insufficient to determine the role of this variant in disease. Therefore, it has been classified as a Variant of Uncertain Significance.

CeGaT Center for Human Genetics Tuebingen
Classification: Uncertain significance. Last evaluated: 2016-05-01. Review status: criteria provided, single submitter. Criteria: CeGaT Center For Human Genetics Tuebingen Variant Classification Criteria Version 2. Collection method: clinical testing. Allele origin: germline. Affected: yes. Observed: 1 variant allele.

GeneDx
Classification: Likely pathogenic. Last evaluated: 2016-02-19. Review status: criteria provided, single submitter. Criteria: GeneDx Variant Classification (06012015). Collection method: clinical testing. Allele origin: germline. Affected: yes.
Comment: A likely pathogenic variant has been identified in the JPH2 gene. The A405S variant was not observed in approximately 6,500 individuals of European and African American ancestry in the NHLBI Exome Sequencing Project, indicating it is not a common benign variant in these populations. The A405S variant is a non-conservative amino acid substitution, which is likely to impact secondary protein structure as these residues differ in polarity, charge, size and/or other properties. This substitution occurs at a position that is conserved across species. However, in silico analysis is inconsistent in its predictions as to whether or not the variant is damaging to the protein structure/function. Therefore, this variant is likely pathogenic.

Literature cited by the submitters: PubMed 23973696 (cited by Ambry Genetics and Labcorp Genetics (formerly Invitae), Labcorp); PubMed 28393127 (cited by Ambry Genetics and Labcorp Genetics (formerly Invitae), Labcorp); PubMed 31227780 (cited by Labcorp Genetics (formerly Invitae), Labcorp).

NM_020433.5(JPH2):c.1213G>T (p.Ala405Ser)

Gene: JPH2 (junctophilin 2; minus strand). Cytogenetic location: 20q13.12.
Variant type: single nucleotide variant.
Coding change: c.1213G>T on transcript NM_020433.5 (MANE Select); coding-DNA position 1213, G replaced by T.
Protein change: p.Ala405Ser; replaces alanine 405 with serine.
Molecular consequence: missense variant.
Genome position (GRCh38, 1-based): chr20:44,118,580, C>A on the plus strand (G>T on the coding strand, the complement: JPH2 is on the minus strand). VCF-style: chr20-44118580-C-A. GRCh37 (hg19) VCF-style: chr20-42747220-C-A.
Other names: short protein forms A405S.
Identifiers: ClinVar variation 372724 (VCV000372724.54), dbSNP rs557878787, ClinGen allele CA16043135.